The following is an entry in ClinVar:

NM_138927.4(SON):c.5132C>A (p.Pro1711His)

Gene: SON (SON DNA and RNA binding protein; plus strand). Cytogenetic location: 21q22.11.
Variant type: single nucleotide variant.
Coding change: c.5132C>A on transcript NM_138927.4 (MANE Select); coding-DNA position 5132, C replaced by A.
Protein change: p.Pro1711His; replaces proline 1711 with histidine.
Molecular consequence: missense variant. On other transcripts: non-coding transcript variant (1), intron variant (1).
Genome position (GRCh38, 1-based): chr21:33,554,363, C>A. VCF-style: chr21-33554363-C-A. GRCh37 (hg19) VCF-style: chr21-34926669-C-A.
Other names: c.5132C>A, p.Pro1711His (NM_001291411.2, NM_001412133.1, NM_032195.3 and 2 more transcripts); c.245-2793C>A (NM_001291412.3); short protein forms P1711H.
Identifiers: ClinVar variation 2002259 (VCV002002259.4), dbSNP rs1224767970, ClinGen allele CA410164126.
Genomic context (GRCh38, chr21:33,554,363, plus strand): 5'-CATTAGCAGCTCTGCTCAGCCCTAAAGAAAGTAGTGGAGGAGAAAAAGAAGTACCTCCCC[C>A]TCCTAAAGAGACACTGCCTGATTCAGGATTTTCTGCCAATATTGAGGATATTAATGAAGC-3'
Protein context (NP_620305.3, residues 1701-1721): SSGGEKEVPP[Pro1711His]PKETLPDSGF

ClinVar aggregate classification (germline): Uncertain significance (1 of 4 stars; one submission).

gnomAD v4.1: 1 of 1,614,148 alleles (0.000062%); highest among the groups gnomAD compares: South Asian, 0.0011%; no homozygotes.

Submission:

Labcorp Genetics (formerly Invitae), Labcorp
Classification: Uncertain significance. Last evaluated: 2022-06-03. Review status: criteria provided, single submitter. Criteria: Invitae Variant Classification Sherloc (09022015). Collection method: clinical testing. Allele origin: germline.
Comment: This sequence change replaces proline, which is neutral and non-polar, with histidine, which is basic and polar, at codon 1711 of the SON protein (p.Pro1711His). In summary, the available evidence is currently insufficient to determine the role of this variant in disease. Therefore, it has been classified as a Variant of Uncertain Significance. Algorithms developed to predict the effect of missense changes on protein structure and function are either unavailable or do not agree on the potential impact of this missense change (SIFT: "Deleterious"; PolyPhen-2: "Probably Damaging"; Align-GVGD: "Class C0"). This variant has not been reported in the literature in individuals affected with SON-related conditions. This variant is not present in population databases (gnomAD no frequency).